The following is an entry in ClinVar:

ClinVar aggregate classification (germline): Likely benign (1 of 4 stars; one submission).

Allele frequency attached by ClinVar (database versions not stated): gnomAD exomes 0.00082; 1000 Genomes Project 0.00739; gnomAD 0.00753; TOPMed 0.00850; 1000 Genomes Project 30x 0.00953.
gnomAD v4.1: 1,686 of 772,400 alleles (0.22%); highest among the groups gnomAD compares: African/African-American, 2.6%; 15 homozygotes.

Submission:

GeneDx
Classification: Likely benign. Last evaluated: 2019-04-20. Review status: criteria provided, single submitter. Criteria: GeneDx Variant Classification Process June 2021. Collection method: clinical testing. Allele origin: germline. Affected: yes.
Comment: See Variant Classification Assertion Criteria.

NM_006214.4(PHYH):c.134+96G>T

Gene: PHYH (phytanoyl-CoA 2-hydroxylase; minus strand). Cytogenetic location: 10p13.
Variant type: single nucleotide variant.
Coding change: c.134+96G>T on transcript NM_006214.4 (MANE Select); 96 bases into the intron after coding-DNA position 134, G replaced by T.
Molecular consequence: intron variant.
Genome position (GRCh38, 1-based): chr10:13,298,091, C>A on the plus strand (G>T on the coding strand, the complement: PHYH is on the minus strand). VCF-style: chr10-13298091-C-A. GRCh37 (hg19) VCF-style: chr10-13340091-C-A.
Other names: c.134+96G>T (NM_001323083.2, NM_001323082.2); c.-167+1329G>T (NM_001037537.2, NM_001323084.2); c.-167+96G>T (NM_001323080.2).
Identifiers: ClinVar variation 1707313 (VCV001707313.2), dbSNP rs116631073, ClinGen allele CA203285146.